The following is an entry in ClinVar:

NM_003764.4(STX11):c.*3855A>G

Gene: STX11 (syntaxin 11; plus strand). Cytogenetic location: 6q24.2.
Variant type: single nucleotide variant.
Coding change: c.*3855A>G on transcript NM_003764.4 (MANE Select); 3855 bases downstream of the stop codon, A replaced by G.
Molecular consequence: 3 prime UTR variant.
Genome position (GRCh38, 1-based): chr6:144,191,346, A>G. VCF-style: chr6-144191346-A-G. GRCh37 (hg19) VCF-style: chr6-144512483-A-G.
Other names: c.*3855A>G (LRG_113t1).
Identifiers: ClinVar variation 355658 (VCV000355658.5), dbSNP rs78595542, ClinGen allele CA10621598.

ClinVar aggregate classification (germline): Benign (1 of 4 stars; one submission).

Conditions:
Familial hemophagocytic lymphohistiocytosis 4 (FHL4). Also called: STX11-Related Familial Hemophagocytic Lymphohistiocytosis (STX11-fHLH). Identifiers: Orphanet 540, MedGen C1863728, MONDO:0011336, OMIM 603552.

Allele frequency attached by ClinVar (database versions not stated): gnomAD 0.00250 and 0.00325; TOPMed 0.00283; 1000 Genomes Project 30x 0.01280; 1000 Genomes Project 0.01438.

Submission:

Illumina Laboratory Services, Illumina
Classification: Benign for Familial hemophagocytic lymphohistiocytosis 4. Last evaluated: 2018-01-13. Review status: criteria provided, single submitter. Criteria: ICSL Variant Classification Criteria 13 December 2019. Collection method: clinical testing. Allele origin: germline.
Comment: This variant was observed in the ICSL laboratory as part of a predisposition screen in an ostensibly healthy population. It had not been previously curated by ICSL or reported in the Human Gene Mutation Database (HGMD: prior to June 1st, 2018), and was therefore a candidate for classification through an automated scoring system. Utilizing variant allele frequency, disease prevalence and penetrance estimates, and inheritance mode, an automated score was calculated to assess if this variant is too frequent to cause the disease. Based on the score and internal cut-off values, a variant classified as benign is not then subjected to further curation. The score for this variant resulted in a classification of benign for this disease.